The following is an entry in ClinVar:

NM_007294.4(BRCA1):c.3260G>A (p.Gly1087Glu)

Genes: BRCA1 (BRCA1 DNA repair associated; minus strand), LOC126862571 (BRD4-independent group 4 enhancer GRCh37_chr17:41243136-41244335; plus strand). Cytogenetic location: 17q21.31.
Variant type: single nucleotide variant.
Coding change: c.3260G>A on transcript NM_007294.4 (MANE Select); coding-DNA position 3260, G replaced by A.
Protein change: p.Gly1087Glu; replaces glycine 1087 with glutamic acid.
Molecular consequence: missense variant. On other transcripts: intron variant (137).
Genome position (GRCh38, 1-based): chr17:43,092,271, C>T on the plus strand (G>A on the coding strand, the complement: BRCA1 is on the minus strand). VCF-style: chr17-43092271-C-T. GRCh37 (hg19) VCF-style: chr17-41244288-C-T.
Other names: c.578-1239G>A (NM_001408483.1, NM_001408481.1, NM_001408480.1 and 9 more transcripts); c.665-1239G>A (NM_001408442.1, NM_001408426.1, NM_001408436.1 and 12 more transcripts); c.788-1239G>A (NM_001407982.1, NM_001407970.1, NM_001407980.1 and 17 more transcripts); c.3119G>A, p.Gly1040Glu (NM_001407731.1, NM_001407732.1, NM_001407733.1 and 29 more transcripts); c.3116G>A, p.Gly1039Glu (NM_001407740.1, NM_001407741.1, NM_001407742.1 and 20 more transcripts); c.3047G>A, p.Gly1016Glu (NM_001407853.1, NM_001407894.1, NM_001407895.1 and 9 more transcripts); c.3260G>A, p.Gly1087Glu (NM_001407854.1, NM_001407858.1, NM_001407859.1 and 30 more transcripts); c.3257G>A, p.Gly1086Glu (NM_001407860.1, NM_001407861.1, NM_001407587.1 and 22 more transcripts); and 41 more; short protein forms G1017E, G1020E, G1045E, G1086E, G998E, G1039E, G1040E, G791E.
Identifiers: ClinVar variation 3825265 (VCV003825265.1).
Genomic context (GRCh38, chr17:43,092,271, plus strand): 5'-TCAGGATGCTTACAATTACTTCCAGGAAGACTTTGTTTATAGACCTCAGGTTGCAAAACC[C>T]CTAATCTAAGCATAGCATTCAATTTTGGCCCTCTGTTTCTACCTAGTTCTGCTTGAATGT-3'
Protein context (NP_009225.1, residues 1077-1097): GPKLNAMLRL[Gly1087Glu]VLQPEVYKQS

ClinVar aggregate classification (germline): Uncertain significance (1 of 4 stars; one submission).

Conditions:
Hereditary cancer-predisposing syndrome. Also called: Hereditary neoplastic syndrome; Neoplastic Syndromes, Hereditary; Tumor predisposition; Hereditary Cancer Syndrome. Identifiers: Orphanet 140162, MedGen C0027672, MeSH D009386, MONDO:0015356.

Submission:

Ambry Genetics
Classification: Uncertain significance for Hereditary cancer-predisposing syndrome. Last evaluated: 2024-12-21. Review status: criteria provided, single submitter. Criteria: Ambry Variant Classification Scheme 2023. Collection method: clinical testing. Allele origin: germline.
Comment: The p.G1087E variant (also known as c.3260G>A), located in coding exon 9 of the BRCA1 gene, results from a G to A substitution at nucleotide position 3260. The glycine at codon 1087 is replaced by glutamic acid, an amino acid with similar properties. This amino acid position is not well conserved in available vertebrate species. In addition, the in silico prediction for this alteration is inconclusive. Based on the available evidence, the clinical significance of this variant remains unclear.